The following is an entry in ClinVar:

NM_016579.4(CD320):c.551dup (p.Val185fs)

Gene: CD320 (CD320 molecule; minus strand). Cytogenetic location: 19p13.2.
Variant type: Duplication.
Coding change: c.551dup on transcript NM_016579.4 (MANE Select); coding-DNA position 551, one base duplicated (C; older notation c.551dupC).
Protein change: p.Val185fs; shifts the reading frame from valine 185.
Molecular consequence: frameshift variant.
Genome position (GRCh38, 1-based): chr19:8,302,932, G duplicated on the plus strand (C on the coding strand, the reverse complement: CD320 is on the minus strand); the first of 5 consecutive G bases (chr19:8,302,932-8,302,936); duplicating any one gives the same sequence. VCF-style (leftmost placement, unchanged base first): chr19-8302931-A-AG. GRCh37 (hg19) VCF-style: chr19-8367815-A-AG.
Other names: c.425dup, p.Val143fs (NM_001165895.2); short protein forms V143fs, V185fs.
Identifiers: ClinVar variation 4740047 (VCV004740047.1).

ClinVar aggregate classification (germline): Uncertain significance (1 of 4 stars; one submission).

Conditions:
Methylmalonic acidemia due to transcobalamin receptor defect (MATR). Also called: METHYLMALONIC ACIDEMIA, TCblR TYPE; METHYLMALONIC ACIDURIA, TRANSIENT, DUE TO TRANSCOBALAMIN RECEPTOR DEFECT. Identifiers: Orphanet 280183, MedGen C4749905, MONDO:0013341, OMIM 613646.

Submission:

Labcorp Genetics (formerly Invitae), Labcorp
Classification: Uncertain significance for Methylmalonic acidemia due to transcobalamin receptor defect. Last evaluated: 2025-11-05. Review status: criteria provided, single submitter. Criteria: Invitae Variant Classification Sherloc (09022015). Collection method: clinical testing. Allele origin: germline.
Comment: This sequence change is expected to alter the c-terminus of the CD320 protein (p.Val185Cysfs*188). While this is not anticipated to result in nonsense mediated decay, it is expected to disrupt the last 98 amino acid(s) of the CD320 protein and extend the protein by 89 additional amino acid residues. This variant is present in population databases (rs754469537, gnomAD 0.008%). This variant has not been reported in the literature in individuals affected with CD320-related conditions. Experimental studies and prediction algorithms are not available or were not evaluated, and the functional significance of this variant is currently unknown. In summary, the available evidence is currently insufficient to determine the role of this variant in disease. Therefore, it has been classified as a Variant of Uncertain Significance.